The following is an entry in ClinVar:

ClinVar aggregate classification (germline): Uncertain significance (1 of 4 stars; one submission).

Conditions:
Hereditary cancer-predisposing syndrome. Also called: Neoplastic Syndromes, Hereditary; Tumor predisposition; Hereditary Cancer Syndrome; Hereditary neoplastic syndrome. Identifiers: Orphanet 140162, MedGen C0027672, MeSH D009386, MONDO:0015356.

Submission:

Ambry Genetics
Classification: Uncertain significance for Hereditary cancer-predisposing syndrome. Last evaluated: 2026-02-27. Review status: criteria provided, single submitter. Criteria: Ambry Variant Classification Scheme 2023. Collection method: clinical testing. Allele origin: germline.
Comment: The p.A788G variant (also known as c.2363C>G), located in coding exon 15 of the CDH1 gene, results from a C to G substitution at nucleotide position 2363. The alanine at codon 788 is replaced by glycine, an amino acid with similar properties. This amino acid position is not well conserved in available vertebrate species. In addition, this alteration is predicted to be tolerated by in silico analysis. Based on the available evidence, the clinical significance of this variant remains unclear.

NM_004360.5(CDH1):c.2363C>G (p.Ala788Gly)

Gene: CDH1 (cadherin 1; plus strand). Cytogenetic location: 16q22.1.
Variant type: single nucleotide variant.
Coding change: c.2363C>G on transcript NM_004360.5 (MANE Select); coding-DNA position 2363, C replaced by G.
Protein change: p.Ala788Gly; replaces alanine 788 with glycine.
Molecular consequence: missense variant.
Genome position (GRCh38, 1-based): chr16:68,829,721, C>G. VCF-style: chr16-68829721-C-G. GRCh37 (hg19) VCF-style: chr16-68863624-C-G.
Other names: c.2180C>G, p.Ala727Gly (NM_001317184.2); c.815C>G, p.Ala272Gly (NM_001317185.2); c.398C>G, p.Ala133Gly (NM_001317186.2); short protein forms A133G, A272G, A727G, A788G.
Identifiers: ClinVar variation 4825327 (VCV004825327.1).